The following is an entry in ClinVar:

NM_080473.5(GATA5):c.74C>T (p.Ala25Val)

Gene: GATA5 (GATA binding protein 5; minus strand). Cytogenetic location: 20q13.33.
Variant type: single nucleotide variant.
Coding change: c.74C>T on transcript NM_080473.5 (MANE Select); coding-DNA position 74, C replaced by T.
Protein change: p.Ala25Val; replaces alanine 25 with valine.
Molecular consequence: missense variant.
Genome position (GRCh38, 1-based): chr20:62,475,448, G>A on the plus strand (C>T on the coding strand, the complement: GATA5 is on the minus strand). VCF-style: chr20-62475448-G-A. GRCh37 (hg19) VCF-style: chr20-61050504-G-A.
Other names: short protein forms A25V.
Identifiers: ClinVar variation 3360834 (VCV003360834.1).

ClinVar aggregate classification (germline): Uncertain significance (1 of 4 stars; one submission).

Submission:

GeneDx
Classification: Uncertain significance. Last evaluated: 2023-07-06. Review status: criteria provided, single submitter. Criteria: GeneDx Variant Classification Process June 2021. Collection method: clinical testing. Allele origin: germline. Affected: yes.
Comment: Not observed at significant frequency in large population cohorts (gnomAD); In silico analysis supports that this missense variant does not alter protein structure/function; Has not been previously published as pathogenic or benign to our knowledge